The following is an entry in ClinVar:

ClinVar aggregate classification (germline): Pathogenic (1 of 4 stars; one submission).

Conditions:
Autosomal dominant nonsyndromic hearing loss 56. Also called: Deafness, autosomal dominant 56. Identifiers: Orphanet 90635, MedGen C3810170, MONDO:0014283, OMIM 615629.

Submission:

Precision Medicine Center, Zhengzhou University
Classification: Pathogenic for Autosomal dominant nonsyndromic hearing loss 56. Last evaluated: 2006-06-30. Review status: criteria provided, single submitter. Criteria: ClinGen HL ACMG Specifications v1. Collection method: clinical testing. Allele origin: paternal. Affected: yes.
Comment: PVS1+PM2:The TNC c.5512+1G>A variant affects a canonical splice donor site and is predicted to disrupt normal RNA splicing, resulting in loss of protein function (PVS1). The variant is absent or extremely rare in population databases (PM2). According to the ACMG/AMP guidelines, this variant is classified as Pathogenic.

NM_002160.4(TNC):c.5512+1G>A

Gene: TNC (tenascin C; minus strand). Cytogenetic location: 9q33.1.
Variant type: single nucleotide variant.
Coding change: c.5512+1G>A on transcript NM_002160.4 (MANE Select); the canonical splice donor site of the intron after coding-DNA position 5512, G replaced by A.
Molecular consequence: splice donor variant.
Genome position (GRCh38, 1-based): chr9:115,038,260, C>T on the plus strand (G>A on the coding strand, the complement: TNC is on the minus strand). VCF-style: chr9-115038260-C-T. GRCh37 (hg19) VCF-style: chr9-117800539-C-T.
Other names: c.4966+1G>A (NM_001439085.1, NM_001439086.1, NM_001410991.1 and 2 more transcripts); c.5239+1G>A (NM_001439078.1, NM_001439082.1, NM_001439079.1 and 3 more transcripts); c.5512+1G>A (NM_001439075.1, NM_001439076.1, NM_001439074.1); c.5788+1G>A (NM_001439070.1, NM_001439069.1, NM_001439068.1); c.6061+1G>A (NM_001439066.1, NM_001439067.1, NM_001439065.1); c.3601+1G>A (NM_001439101.1, NM_001439100.1, NM_001439099.1); c.4420+1G>A (NM_001439092.1, NM_001439091.1, NM_001439090.1 and 1 more transcripts); c.4147+1G>A (NM_001439095.1, NM_001439094.1, NM_001439093.1); and 4 more.
Identifiers: ClinVar variation 4857404 (VCV004857404.1).